The following is an entry in ClinVar:

ClinVar aggregate classification (germline): Conflicting classifications of pathogenicity. Review status: criteria provided, conflicting classifications (1 of 4 stars). 3 submissions from 3 submitters: Uncertain significance (2); Likely benign (1). Last evaluated 2025-12-03.

Conditions:
Usher syndrome type 3B. Also called: USHER SYNDROME, TYPE IIIB. Identifiers: MedGen C3281066, MONDO:0013788, OMIM 614504.

Allele frequency attached by ClinVar (database versions not stated): gnomAD exomes 0.00004 and 0.00006; ExAC 0.00005; gnomAD 0.00005 and 0.00006; TOPMed 0.00005.
gnomAD v4.1: 66 of 1,613,816 alleles (0.0041%); highest among the groups gnomAD compares: East Asian, 0.036%; no homozygotes.

Submissions (3):

Labcorp Genetics (formerly Invitae), Labcorp
Classification: Uncertain significance for Usher syndrome type 3B. Last evaluated: 2025-12-03. Review status: criteria provided, single submitter. Criteria: Invitae Variant Classification Sherloc (09022015). Collection method: clinical testing. Allele origin: germline.
Comment: This sequence change replaces arginine, which is basic and polar, with glutamine, which is neutral and polar, at codon 68 of the HARS protein (p.Arg68Gln). This variant is present in population databases (rs753788498, gnomAD 0.06%). This variant has not been reported in the literature in individuals affected with HARS-related conditions. ClinVar contains an entry for this variant (Variation ID: 565367). An algorithm developed to predict the effect of missense changes on protein structure and function (PolyPhen-2) suggests that this variant is likely to be tolerated. In summary, the available evidence is currently insufficient to determine the role of this variant in disease. Therefore, it has been classified as a Variant of Uncertain Significance.

Blueprint Genetics
Classification: Uncertain significance. Last evaluated: 2024-01-10. Review status: criteria provided, single submitter. Criteria: ACMG Guidelines, 2015. Collection method: clinical testing. Allele origin: germline.

Ambry Genetics
Classification: Likely benign. Last evaluated: 2023-09-22. Review status: criteria provided, single submitter. Criteria: Ambry Variant Classification Scheme 2023. Collection method: clinical testing. Allele origin: germline.

NM_002109.6(HARS1):c.203G>A (p.Arg68Gln)

Gene: HARS1 (histidyl-tRNA synthetase 1; minus strand). Cytogenetic location: 5q31.3.
Variant type: single nucleotide variant.
Coding change: c.203G>A on transcript NM_002109.6 (MANE Select); coding-DNA position 203, G replaced by A.
Protein change: p.Arg68Gln; replaces arginine 68 with glutamine.
Molecular consequence: missense variant. On other transcripts: intron variant (3).
Genome position (GRCh38, 1-based): chr5:140,683,197, C>T on the plus strand (G>A on the coding strand, the complement: HARS1 is on the minus strand). VCF-style: chr5-140683197-C-T. GRCh37 (hg19) VCF-style: chr5-140062782-C-T.
Other names: c.203G>A, p.Arg68Gln (NM_001258041.3, NM_001289092.2); c.116G>A, p.Arg39Gln (NM_001289094.2); c.181-5182G>A (NM_001289093.2); c.181-3314G>A (NM_001258042.3, NM_001258040.3); c.203G>A (NM_002109.3); short protein forms R68Q, R39Q.
Identifiers: ClinVar variation 565367 (VCV000565367.10), dbSNP rs753788498, ClinGen allele CA3444166.